The following is an entry in ClinVar:

ClinVar aggregate classification (germline): Uncertain significance (1 of 4 stars; one submission).

Submission:

GeneDx
Classification: Uncertain significance. Last evaluated: 2022-06-10. Review status: criteria provided, single submitter. Criteria: GeneDx Variant Classification Process June 2021. Collection method: clinical testing. Allele origin: germline. Affected: yes.
Comment: Not observed at significant frequency in large population cohorts (gnomAD); In silico analysis supports that this missense variant has a deleterious effect on protein structure/function; Has not been previously published as pathogenic or benign to our knowledge

NM_001148.6(ANK2):c.5093T>G (p.Leu1698Trp)

Gene: ANK2 (ankyrin 2; plus strand). Cytogenetic location: 4q26.
Variant type: single nucleotide variant.
Coding change: c.5093T>G on transcript NM_001148.6 (MANE Select); coding-DNA position 5093, T replaced by G.
Protein change: p.Leu1698Trp; replaces leucine 1698 with tryptophan.
Molecular consequence: missense variant. On other transcripts: intron variant (68).
Genome position (GRCh38, 1-based): chr4:113,353,711, T>G. VCF-style: chr4-113353711-T-G. GRCh37 (hg19) VCF-style: chr4-114274867-T-G.
Other names: c.4859T>G, p.Leu1620Trp (NM_001386142.1); c.1493T>G, p.Leu498Trp (NM_001386166.1); c.5234T>G, p.Leu1745Trp (NM_001386174.1); c.5210T>G, p.Leu1737Trp (NM_001386175.1); c.4411+3462T>G (NM_001386186.2, NM_001386148.2); c.4213+3462T>G (NM_001354269.3); c.4291+3462T>G (NM_001386187.2); c.4252+3462T>G (NM_001386147.1); and 35 more; short protein forms L1620W, L1698W, L1737W, L1745W, L498W.
Identifiers: ClinVar variation 1803405 (VCV001803405.1), dbSNP rs1588902595, ClinGen allele CA357918093.